The following is an entry in ClinVar:

NM_000455.5(STK11):c.257G>A (p.Arg86Gln)

Gene: STK11 (serine/threonine kinase 11; plus strand). Cytogenetic location: 19p13.3.
Variant type: single nucleotide variant.
Coding change: c.257G>A on transcript NM_000455.5 (MANE Select); coding-DNA position 257, G replaced by A.
Protein change: p.Arg86Gln; replaces arginine 86 with glutamine.
Molecular consequence: missense variant. On other transcripts: non-coding transcript variant (1).
Genome position (GRCh38, 1-based): chr19:1,207,170, G>A. VCF-style: chr19-1207170-G-A. GRCh37 (hg19) VCF-style: chr19-1207169-G-A.
Other names: c.257G>A, p.Arg86Gln (NM_001407255.1); short protein forms R86Q.
Identifiers: ClinVar variation 2750063 (VCV002750063.4), dbSNP rs2080673243, ClinGen allele CA402944530.

ClinVar aggregate classification (germline): Uncertain significance. Review status: criteria provided, multiple submitters, no conflicts (2 of 4 stars). 2 submissions from 2 submitters: Uncertain significance (2). Last evaluated 2025-04-21.

Conditions:
Peutz-Jeghers syndrome (PJS). Also called: Peutz-Jeghers polyposis; Periorificial lentiginosis syndrome; POLYPOSIS, HAMARTOMATOUS INTESTINAL; POLYPS-AND-SPOTS SYNDROME. Identifiers: Orphanet 2869, MedGen C0031269, MeSH D010580, MONDO:0008280, OMIM 175200.
Hereditary cancer-predisposing syndrome. Also called: Hereditary Cancer Syndrome; Tumor predisposition; Hereditary neoplastic syndrome; Neoplastic Syndromes, Hereditary. Identifiers: Orphanet 140162, MedGen C0027672, MeSH D009386, MONDO:0015356.

Allele frequency attached by ClinVar (database versions not stated): TOPMed below 0.00001.

Submissions (2):

Labcorp Genetics (formerly Invitae), Labcorp
Classification: Uncertain significance for Peutz-Jeghers syndrome. Last evaluated: 2025-04-21. Review status: criteria provided, single submitter. Criteria: Invitae Variant Classification Sherloc (09022015). Collection method: clinical testing. Allele origin: germline.
Comment: This sequence change replaces arginine, which is basic and polar, with glutamine, which is neutral and polar, at codon 86 of the STK11 protein (p.Arg86Gln). This variant is not present in population databases (gnomAD no frequency). This variant has not been reported in the literature in individuals affected with STK11-related conditions. ClinVar contains an entry for this variant (Variation ID: 2750063). Invitae Evidence Modeling of protein sequence and biophysical properties (such as structural, functional, and spatial information, amino acid conservation, physicochemical variation, residue mobility, and thermodynamic stability) has been performed for this missense variant. However, the output from this modeling did not meet the statistical confidence thresholds required to predict the impact of this variant on STK11 protein function. In summary, the available evidence is currently insufficient to determine the role of this variant in disease. Therefore, it has been classified as a Variant of Uncertain Significance.

Ambry Genetics
Classification: Uncertain significance for Hereditary cancer-predisposing syndrome. Last evaluated: 2024-09-10. Review status: criteria provided, single submitter. Criteria: Ambry Variant Classification Scheme 2023. Collection method: clinical testing. Allele origin: germline.
Comment: The p.R86Q variant (also known as c.257G>A), located in coding exon 1 of the STK11 gene, results from a G to A substitution at nucleotide position 257. The arginine at codon 86 is replaced by glutamine, an amino acid with highly similar properties. This amino acid position is highly conserved in available vertebrate species. In addition, this alteration is predicted to be tolerated by in silico analysis. Based on the available evidence, the clinical significance of this variant remains unclear.